The following is an entry in ClinVar:

ClinVar aggregate classification (germline): Uncertain significance (1 of 4 stars; one submission).

Conditions:
LAMA2-related muscular dystrophy (LAMA2-RD). Also called: Laminin alpha 2-related dystrophy. Identifiers: MedGen C5679788, MONDO:0100228.

Allele frequency attached by ClinVar (database versions not stated): TOPMed below 0.00001.
gnomAD v4.1: 32 of 1,612,992 alleles (0.002%); highest among the groups gnomAD compares: African/African-American, 0.0027%; no homozygotes.

Submission:

Labcorp Genetics (formerly Invitae), Labcorp
Classification: Uncertain significance for LAMA2-related muscular dystrophy. Last evaluated: 2024-02-24. Review status: criteria provided, single submitter. Criteria: Invitae Variant Classification Sherloc (09022015). Collection method: clinical testing. Allele origin: germline.
Comment: This sequence change replaces arginine, which is basic and polar, with histidine, which is basic and polar, at codon 1366 of the LAMA2 protein (p.Arg1366His). This variant is present in population databases (rs573563174, gnomAD 0.02%). This variant has not been reported in the literature in individuals affected with LAMA2-related conditions. ClinVar contains an entry for this variant (Variation ID: 1372260). Advanced modeling of protein sequence and biophysical properties (such as structural, functional, and spatial information, amino acid conservation, physicochemical variation, residue mobility, and thermodynamic stability) performed at Invitae indicates that this missense variant is not expected to disrupt LAMA2 protein function with a negative predictive value of 95%. In summary, the available evidence is currently insufficient to determine the role of this variant in disease. Therefore, it has been classified as a Variant of Uncertain Significance.

NM_000426.4(LAMA2):c.4097G>A (p.Arg1366His)

Gene: LAMA2 (laminin subunit alpha 2; plus strand). Cytogenetic location: 6q22.33.
Variant type: single nucleotide variant.
Coding change: c.4097G>A on transcript NM_000426.4 (MANE Select); coding-DNA position 4097, G replaced by A.
Protein change: p.Arg1366His; replaces arginine 1366 with histidine.
Molecular consequence: missense variant.
Genome position (GRCh38, 1-based): chr6:129,320,576, G>A. VCF-style: chr6-129320576-G-A. GRCh37 (hg19) VCF-style: chr6-129641721-G-A.
Other names: c.4097G>A, p.Arg1366His (NM_001079823.2); short protein forms R1366H.
Identifiers: ClinVar variation 1372260 (VCV001372260.5), dbSNP rs573563174, ClinGen allele CA3993447.